The following is an entry in ClinVar:

ClinVar aggregate classification (germline): Benign (1 of 4 stars; one submission).

Submission:

CeGaT Center for Human Genetics Tuebingen
Classification: Benign. Last evaluated: 2025-02-01. Review status: criteria provided, single submitter. Criteria: CeGaT Center For Human Genetics Tuebingen Variant Classification Criteria Version 2. Collection method: clinical testing. Allele origin: germline. Affected: yes. Observed: 2 variant alleles.
Comment: TRPM2: BS1, BS2

NM_003307.4(TRPM2):c.3684_3710del (p.Arg1228_Asp1236del)

Gene: TRPM2 (transient receptor potential cation channel subfamily M member 2; plus strand). Cytogenetic location: 21q22.3.
Variant type: Deletion.
Coding change: c.3684_3710del on transcript NM_003307.4 (MANE Select); coding-DNA positions 3684 to 3710, 27 bases deleted (GAAGAAGACGGAGGAGCCGGGCGACAG).
Protein change: p.Arg1228_Asp1236del.
Molecular consequence: inframe deletion. On other transcripts: 5 prime UTR variant (1), non-coding transcript variant (1).
Genome position (GRCh38, 1-based): chr21:44,425,716-44,425,742, GAAGAAGACGGAGGAGCCGGGCGACAG deleted; deleting any 27 consecutive bases within chr21:44,425,713-44,425,742 gives the same sequence; the c. name uses the placement nearest the transcript's 3' end. VCF-style (leftmost placement, unchanged base first): chr21-44425712-GCAGGAAGAAGACGGAGGAGCCGGGCGA-G. GRCh37 (hg19) VCF-style: chr21-45845595-GCAGGAAGAAGACGGAGGAGCCGGGCGA-G.
Other names: c.3834_3860del, p.Arg1278_Asp1286del (NM_001320350.2); c.3684_3710del, p.Arg1228_Asp1236del (NM_001320351.2); c.-132_-106del (NM_001320352.3).
Identifiers: ClinVar variation 2652754 (VCV002652754.24), dbSNP rs547070705, ClinGen allele CA10055572.
Genomic context (GRCh38, chr21:44,425,712, plus strand): 5'-CTTCCTGACTGTCCCCAGCCTCCCAGAAGGCCGCGGAGGAGCCGGATGCTGAGCCGGGAG[GCAGGAAGAAGACGGAGGAGCCGGGCGA>G]CAGCTACCACGTGAATGCCCGGCACCTCCTCTACCCCAACTGCCCTGTCACGCGCTTCCC-3'